The following is an entry in ClinVar:

ClinVar aggregate classification (germline): Uncertain significance (1 of 4 stars; one submission).

Submission:

GeneDx
Classification: Uncertain significance. Last evaluated: 2024-11-20. Review status: criteria provided, single submitter. Criteria: GeneDx Variant Classification Process June 2021. Collection method: clinical testing. Allele origin: germline. Affected: yes.
Comment: Not observed at significant frequency in large population cohorts (gnomAD); In silico analysis supports that this missense variant has a deleterious effect on protein structure/function; Has not been previously published as pathogenic or benign to our knowledge

NM_000393.5(COL5A2):c.2147C>T (p.Pro716Leu)

Gene: COL5A2 (collagen type V alpha 2 chain; minus strand). Cytogenetic location: 2q32.2.
Variant type: single nucleotide variant.
Coding change: c.2147C>T on transcript NM_000393.5 (MANE Select); coding-DNA position 2147, C replaced by T.
Protein change: p.Pro716Leu; replaces proline 716 with leucine.
Molecular consequence: missense variant.
Genome position (GRCh38, 1-based): chr2:189,058,511, G>A on the plus strand (C>T on the coding strand, the complement: COL5A2 is on the minus strand). VCF-style: chr2-189058511-G-A. GRCh37 (hg19) VCF-style: chr2-189923237-G-A.
Other names: short protein forms P716L.
Identifiers: ClinVar variation 3900386 (VCV003900386.1).